The following is an entry in ClinVar:

NM_002709.3(PPP1CB):c.52G>A (p.Val18Ile)

Gene: PPP1CB (protein phosphatase 1 catalytic subunit beta; plus strand). Cytogenetic location: 2p23.2.
Variant type: single nucleotide variant.
Coding change: c.52G>A on transcript NM_002709.3 (MANE Select); coding-DNA position 52, G replaced by A.
Protein change: p.Val18Ile; replaces valine 18 with isoleucine.
Molecular consequence: missense variant.
Genome position (GRCh38, 1-based): chr2:28,752,176, G>A. VCF-style: chr2-28752176-G-A. GRCh37 (hg19) VCF-style: chr2-28975042-G-A.
Other names: c.52G>A, p.Val18Ile (NM_206876.2); short protein forms V18I.
Identifiers: ClinVar variation 3673946 (VCV003673946.2).

ClinVar aggregate classification (germline): Uncertain significance (1 of 4 stars; one submission).

gnomAD v4.1: 1 of 1,546,194 alleles (0.000065%); highest among the groups gnomAD compares: Non-Finnish European, 0.000087%; no homozygotes.

Submission:

Labcorp Genetics (formerly Invitae), Labcorp
Classification: Uncertain significance. Last evaluated: 2024-07-23. Review status: criteria provided, single submitter. Criteria: Invitae Variant Classification Sherloc (09022015). Collection method: clinical testing. Allele origin: germline.
Comment: This sequence change replaces valine, which is neutral and non-polar, with isoleucine, which is neutral and non-polar, at codon 18 of the PPP1CB protein (p.Val18Ile). This variant also falls at the last nucleotide of exon 2, which is part of the consensus splice site for this exon. This variant is not present in population databases (gnomAD no frequency). This variant has not been reported in the literature in individuals affected with PPP1CB-related conditions. An algorithm developed to predict the effect of missense changes on protein structure and function (PolyPhen-2) suggests that this variant is likely to be tolerated. Variants that disrupt the consensus splice site are a relatively common cause of aberrant splicing (PMID: 17576681, 9536098). In summary, the available evidence is currently insufficient to determine the role of this variant in disease. Therefore, it has been classified as a Variant of Uncertain Significance.

Literature cited by the submitters: PubMed 17576681; PubMed 9536098.